The following is an entry in ClinVar:

NM_000038.6(APC):c.5409A>G (p.Arg1803=)

Gene: APC (APC regulator of Wnt signaling pathway; plus strand). Cytogenetic location: 5q22.2.
Variant type: single nucleotide variant.
Coding change: c.5409A>G on transcript NM_000038.6 (MANE Select); coding-DNA position 5409, A replaced by G.
Protein change: p.Arg1803=; no amino-acid change (arginine 1803 retained).
Molecular consequence: synonymous variant.
Genome position (GRCh38, 1-based): chr5:112,841,003, A>G. VCF-style: chr5-112841003-A-G. GRCh37 (hg19) VCF-style: chr5-112176700-A-G.
Other names: c.5409A>G, p.Arg1803= (NM_001127510.3, NM_001354895.2); c.5355A>G, p.Arg1785= (NM_001127511.3); c.5463A>G, p.Arg1821= (NM_001354896.2); c.5439A>G, p.Arg1813= (NM_001354897.2); c.5334A>G, p.Arg1778= (NM_001354898.2); c.5325A>G, p.Arg1775= (NM_001354899.2); c.5286A>G, p.Arg1762= (NM_001354900.2); c.5232A>G, p.Arg1744= (NM_001354901.2); and 5 more.
Identifiers: ClinVar variation 537601 (VCV000537601.19), dbSNP rs766679576, ClinGen allele CA041841.
Genomic context (GRCh38, chr5:112,841,003, plus strand): 5'-TGAATATAGGACACGTGTAAGAAAAAATGCAGACTCAAAAAATAATTTAAATGCTGAGAG[A>G]GTTTTCTCAGACAACAAAGATTCAAAGAAACAGAATTTGAAAAATAATTCCAAGGTCTTC-3'
Protein context (NP_000029.2, residues 1793-1813): ADSKNNLNAE[Arg1803=]VFSDNKDSKK

ClinVar aggregate classification (germline): Benign/Likely benign. Review status: criteria provided, multiple submitters, no conflicts (2 of 4 stars). 4 submissions from 4 submitters: Benign (1); Likely benign (3). Last evaluated 2024-04-02.

Conditions:
Classic or attenuated familial adenomatous polyposis. Identifiers: MedGen CN372698, MONDO:0021057.
Familial adenomatous polyposis 1 (FAP1). Also called: FAMILIAL ADENOMATOUS POLYPOSIS 1, ATTENUATED; POLYPOSIS, ADENOMATOUS INTESTINAL. Identifiers: MedGen C2713442, MONDO:0021056, OMIM 175100. Disease mechanism: loss of function.
Hereditary cancer-predisposing syndrome. Also called: Tumor predisposition; Hereditary Cancer Syndrome; Hereditary neoplastic syndrome; Neoplastic Syndromes, Hereditary. Identifiers: Orphanet 140162, MedGen C0027672, MeSH D009386, MONDO:0015356.

Allele frequency attached by ClinVar (database versions not stated): gnomAD exomes below 0.00001 and 0.00001; ExAC 0.00001.
gnomAD v4.1: 5 of 1,611,786 alleles (0.00031%); highest among the groups gnomAD compares: Non-Finnish European, 0.00042%; no homozygotes.

Submissions (4):

Myriad Genetics, Inc.
Classification: Benign for Familial adenomatous polyposis 1. Last evaluated: 2024-04-02. Review status: criteria provided, single submitter. Criteria: Myriad Autosomal Dominant, Autosomal Recessive and X-Linked Classification Criteria (2023). Collection method: clinical testing. Allele origin: unknown.
Comment: This variant is considered benign. This variant is a silent/synonymous amino acid change and it is not expected to impact splicing.

All of Us Research Program, National Institutes of Health
Classification: Likely benign for Classic or attenuated familial adenomatous polyposis. Last evaluated: 2023-05-30. Review status: criteria provided, single submitter. Criteria: ACMG Guidelines, 2015. Collection method: clinical testing. Allele origin: germline. Inheritance: Autosomal dominant inheritance. Observed: 1 variant allele, 1 heterozygote.
Comment: This study involves interpretation of variants in research participants for the purpose of population health screening. Participant phenotype was not available at the time of variant classification. Additional details can be found in publication PMID: 35346344, PMCID: PMC8962531

Labcorp Genetics (formerly Invitae), Labcorp
Classification: Likely benign for Familial adenomatous polyposis 1. Last evaluated: 2022-11-06. Review status: criteria provided, single submitter. Criteria: Invitae Variant Classification Sherloc (09022015). Collection method: clinical testing. Allele origin: germline.

Ambry Genetics
Classification: Likely benign for Hereditary cancer-predisposing syndrome. Last evaluated: 2018-03-23. Review status: criteria provided, single submitter. Criteria: Ambry Variant Classification Scheme 2023. Collection method: clinical testing. Allele origin: germline.